The following is an entry in ClinVar:

ClinVar aggregate classification (germline): Pathogenic/Likely pathogenic. Review status: criteria provided, multiple submitters, no conflicts (2 of 4 stars). 6 submissions from 6 submitters: Pathogenic (4); Likely pathogenic (1). 1 of the submissions does not count toward it. Last evaluated 2025-11-11.

Conditions:
Autosomal recessive limb-girdle muscular dystrophy type 2A (LGMDR1). Also called: Muscular dystrophy, limb-girdle, type 2A, Amish; LEYDEN-MOEBIUS MUSCULAR DYSTROPHY; MUSCULAR DYSTROPHY, PELVOFEMORAL; Limb-girdle muscular dystrophy, type 2A; Calpainopathy. Identifiers: Orphanet 267, MedGen C1869123, MONDO:0009675, OMIM 253600. Disease mechanism: loss of function.
Muscular dystrophy, limb-girdle, autosomal dominant 4. Also called: MUSCULAR DYSTROPHY, LIMB-GIRDLE, TYPE 1I; Calpain-3-related limb-girdle muscular dystrophy D4. Identifiers: Orphanet 565909, MedGen C4748295, MONDO:0029133, OMIM 618129.

Allele frequency attached by ClinVar (database versions not stated): gnomAD exomes below 0.00001; TOPMed below 0.00001; gnomAD 0.00001.
gnomAD v4.1: 3 of 1,613,962 alleles (0.00019%); highest among the groups gnomAD compares: Non-Finnish European, 0.00025%; no homozygotes.

Submissions (6):

Labcorp Genetics (formerly Invitae), Labcorp
Classification: Pathogenic for Autosomal recessive limb-girdle muscular dystrophy type 2A. Last evaluated: 2025-11-11. Review status: criteria provided, single submitter. Criteria: Invitae Variant Classification Sherloc (09022015). Collection method: clinical testing. Allele origin: germline.
Comment: This sequence change replaces glycine, which is neutral and non-polar, with arginine, which is basic and polar, at codon 222 of the CAPN3 protein (p.Gly222Arg). This variant is not present in population databases (gnomAD no frequency). This missense change has been observed in individual(s) with autosomal recessive limb-girdle muscular dystrophy (PMID: 9762961, 16542520, 22006685). In at least one individual the data is consistent with being in trans (on the opposite chromosome) from a pathogenic variant. ClinVar contains an entry for this variant (Variation ID: 556854). Invitae Evidence Modeling of protein sequence and biophysical properties (such as structural, functional, and spatial information, amino acid conservation, physicochemical variation, residue mobility, and thermodynamic stability) indicates that this missense variant is expected to disrupt CAPN3 protein function with a positive predictive value of 80%. Experimental studies have shown that this missense change affects CAPN3 function (PMID: 22006685). For these reasons, this variant has been classified as Pathogenic.

Natera, Inc.
Classification: Pathogenic for Limb-girdle muscular dystrophy type 2A. Last evaluated: 2024-08-21. Review status: criteria provided, single submitter. Criteria: Natera Variant Classification Schema (03/2026). Collection method: clinical testing. Allele origin: germline.
Comment: The c.664G>A variant in CAPN3 is a missense variant predicted to cause substitution of glycine to arginine at amino acid 222. This variant is rare in the general population with a frequency below the threshold expected for the associated phenotype(s). This variant has been observed in one or more individuals affected with the associated recessive disease, as either homozygous or compound heterozygous with a second variant (PMID: 22006685, 19015733, 18563459, 16971480, 10330340, 9777948). Computational prediction algorithms indicate this variant is likely to affect gene or protein function. Given the available evidence, this variant is classified as Pathogenic.

Baylor Genetics
Classification: Pathogenic for Muscular dystrophy, limb-girdle, autosomal dominant 4. Last evaluated: 2023-11-21. Review status: criteria provided, single submitter. Criteria: ACMG Guidelines, 2015. Collection method: clinical testing. Allele origin: unknown.

Fulgent Genetics
Classification: Likely pathogenic for Autosomal recessive limb-girdle muscular dystrophy type 2A; Muscular dystrophy, limb-girdle, autosomal dominant 4. Last evaluated: 2022-02-22. Review status: criteria provided, single submitter. Criteria: ACMG Guidelines, 2015. Collection method: clinical testing. Allele origin: unknown.

Revvity Omics, Revvity
Classification: Pathogenic. Last evaluated: 2019-07-18. Review status: criteria provided, single submitter. Criteria: ACMG Guidelines, 2015. Collection method: clinical testing. Allele origin: germline.

Counsyl
Classification: Likely pathogenic for Autosomal recessive limb-girdle muscular dystrophy type 2A. Last evaluated: 2018-02-21. Review status: no assertion criteria provided. Collection method: clinical testing. Allele origin: unknown. Not counted in ClinVar's aggregate classification.

Literature cited by the submitters: PubMed 9762961 (cited by Labcorp Genetics (formerly Invitae), Labcorp and Counsyl); PubMed 16542520 (cited by Labcorp Genetics (formerly Invitae), Labcorp and Counsyl); PubMed 22006685 (cited by 3 submitters); PubMed 19015733 (cited by Natera, Inc.); PubMed 18563459 (cited by Natera, Inc.); PubMed 16971480 (cited by Natera, Inc.); PubMed 10330340 (cited by Natera, Inc.); PubMed 9777948 (cited by Natera, Inc. and Counsyl); PubMed 16141003 (cited by Counsyl); PubMed 11371436 (cited by Counsyl); PubMed 26886200 (cited by Counsyl); PubMed 25512505 (cited by Counsyl); PubMed 15689361 (cited by Counsyl).

NM_000070.3(CAPN3):c.664G>A (p.Gly222Arg)

Gene: CAPN3 (calpain 3; plus strand). Cytogenetic location: 15q15.1.
Variant type: single nucleotide variant.
Coding change: c.664G>A on transcript NM_000070.3 (MANE Select); coding-DNA position 664, G replaced by A.
Protein change: p.Gly222Arg; replaces glycine 222 with arginine.
Molecular consequence: missense variant.
Genome position (GRCh38, 1-based): chr15:42,388,959, G>A. VCF-style: chr15-42388959-G-A. GRCh37 (hg19) VCF-style: chr15-42681157-G-A.
Other names: c.664G>A, p.Gly222Arg (NM_024344.2, NM_173087.2); short protein forms G222R.
Identifiers: ClinVar variation 556854 (VCV000556854.17), dbSNP rs1345121557, ClinGen allele CA391998105.
Genomic context (GRCh38, chr15:42,388,959, plus strand): 5'-CCCAAATTGGTCTTCATCCTCTCTCTAAGGCTCCATGGTTCCTACGAAGCTCTGAAAGGT[G>A]GGAACACCACAGAGGCCATGGAGGACTTCACAGGAGGGGTGGCAGAGTTTTTTGAGATCA-3'
Protein context (NP_000061.1, residues 212-232): LHGSYEALKG[Gly222Arg]NTTEAMEDFT